The following is an entry in ClinVar:

ClinVar aggregate classification (germline): Uncertain significance. Review status: criteria provided, multiple submitters, no conflicts (2 of 4 stars). 2 submissions from 2 submitters: Uncertain significance (2). Last evaluated 2025-04-19.

Conditions:
Cardiovascular phenotype. Identifiers: MedGen CN230736.
Dilated cardiomyopathy 1AA (CMD1AA). Also called: CARDIOMYOPATHY, DILATED, 1AA, WITH OR WITHOUT LEFT VENTRICULAR NONCOMPACTION; CARDIOMYOPATHY, FAMILIAL HYPERTROPHIC, 23, WITH OR WITHOUT LEFT VENTRICULAR NONCOMPACTION; Cardiomyopathy, dilated, 1AA, with or without LVNC. Identifiers: Orphanet 154, MedGen C2677338, MONDO:0012808, OMIM 612158.
Primary familial hypertrophic cardiomyopathy (HCM). Identifiers: Orphanet 99739, MedGen C0949658, MeSH D024741, MONDO:0024573. Inheritance: Various modes of inheritance.

Submissions (2):

Ambry Genetics
Classification: Uncertain significance for Cardiovascular phenotype. Last evaluated: 2025-04-19. Review status: criteria provided, single submitter. Criteria: Ambry Variant Classification Scheme 2023. Collection method: clinical testing. Allele origin: germline.
Comment: The p.A833V variant (also known as c.2498C>T), located in coding exon 20 of the ACTN2 gene, results from a C to T substitution at nucleotide position 2498. The alanine at codon 833 is replaced by valine, an amino acid with similar properties. This amino acid position is conserved. In addition, this alteration is predicted to be tolerated by in silico analysis. Based on the available evidence, the clinical significance of this variant remains unclear.

Labcorp Genetics (formerly Invitae), Labcorp
Classification: Uncertain significance for Primary familial hypertrophic cardiomyopathy; Dilated cardiomyopathy 1AA. Last evaluated: 2023-04-11. Review status: criteria provided, single submitter. Criteria: Invitae Variant Classification Sherloc (09022015). Collection method: clinical testing. Allele origin: germline.
Comment: This variant is not present in population databases (gnomAD no frequency). This sequence change replaces alanine, which is neutral and non-polar, with valine, which is neutral and non-polar, at codon 833 of the ACTN2 protein (p.Ala833Val). This variant has not been reported in the literature in individuals affected with ACTN2-related conditions. In summary, the available evidence is currently insufficient to determine the role of this variant in disease. Therefore, it has been classified as a Variant of Uncertain Significance. An algorithm developed to predict the effect of missense changes on protein structure and function (PolyPhen-2) suggests that this variant is likely to be disruptive. ClinVar contains an entry for this variant (Variation ID: 1937927).

NM_001103.4(ACTN2):c.2498C>T (p.Ala833Val)

Gene: ACTN2 (actinin alpha 2; plus strand). Cytogenetic location: 1q43.
Variant type: single nucleotide variant.
Coding change: c.2498C>T on transcript NM_001103.4 (MANE Select); coding-DNA position 2498, C replaced by T.
Protein change: p.Ala833Val; replaces alanine 833 with valine.
Molecular consequence: missense variant.
Genome position (GRCh38, 1-based): chr1:236,761,145, C>T. VCF-style: chr1-236761145-C-T. GRCh37 (hg19) VCF-style: chr1-236924445-C-T.
Other names: c.2498C>T, p.Ala833Val (NM_001278343.2); c.1874C>T, p.Ala625Val (NM_001278344.2); c.1748C>T, p.Ala583Val (NM_001412150.1); c.2498C>T (NM_001103.2); short protein forms A833V, A583V, A625V.
Identifiers: ClinVar variation 1937927 (VCV001937927.6), dbSNP rs2527665594, ClinGen allele CA345391651.